The following is an entry in ClinVar:

NM_006516.4(SLC2A1):c.731T>G (p.Met244Arg)

Gene: SLC2A1 (solute carrier family 2 member 1; minus strand). Cytogenetic location: 1p34.2.
Variant type: single nucleotide variant.
Coding change: c.731T>G on transcript NM_006516.4 (MANE Select); coding-DNA position 731, T replaced by G.
Protein change: p.Met244Arg; replaces methionine 244 with arginine.
Molecular consequence: missense variant.
Genome position (GRCh38, 1-based): chr1:42,929,729, A>C on the plus strand (T>G on the coding strand, the complement: SLC2A1 is on the minus strand). VCF-style: chr1-42929729-A-C. GRCh37 (hg19) VCF-style: chr1-43395400-A-C.
Other names: short protein forms M244R.
Identifiers: ClinVar variation 421792 (VCV000421792.3), dbSNP rs1064795363, ClinGen allele CA16617146.

ClinVar aggregate classification (germline): Conflicting classifications of pathogenicity. Review status: criteria provided, conflicting classifications (1 of 4 stars). 2 submissions from 2 submitters: Likely pathogenic (1); Uncertain significance (1). Last evaluated 2026-01-12.

Conditions:
GLUT1 deficiency syndrome 1, autosomal recessive. Identifiers: MedGen C3149117.

Submissions (2):

Labcorp Genetics (formerly Invitae), Labcorp
Classification: Uncertain significance for GLUT1 deficiency syndrome 1, autosomal recessive. Last evaluated: 2026-01-12. Review status: criteria provided, single submitter. Criteria: Invitae Variant Classification Sherloc (09022015). Collection method: clinical testing. Allele origin: germline.
Comment: This sequence change replaces methionine, which is neutral and non-polar, with arginine, which is basic and polar, at codon 244 of the SLC2A1 protein (p.Met244Arg). This variant is not present in population databases (gnomAD no frequency). This variant has not been reported in the literature in individuals affected with SLC2A1-related conditions. ClinVar contains an entry for this variant (Variation ID: 421792). Invitae Evidence Modeling of protein sequence and biophysical properties (such as structural, functional, and spatial information, amino acid conservation, physicochemical variation, residue mobility, and thermodynamic stability) indicates that this missense variant is expected to disrupt SLC2A1 protein function with a positive predictive value of 95%. In summary, the available evidence is currently insufficient to determine the role of this variant in disease. Therefore, it has been classified as a Variant of Uncertain Significance.

GeneDx
Classification: Likely pathogenic. Last evaluated: 2016-08-24. Review status: criteria provided, single submitter. Criteria: GeneDx Variant Classification (06012015). Collection method: clinical testing. Allele origin: germline. Affected: yes.
Comment: The M244R variant has not been published as a pathogenic variant, nor has it been reported as a benign variant to our knowledge. It was not observed in approximately 6,500 individuals of European and African American ancestry in the NHLBI Exome Sequencing Project, indicating it is not a common benign variant in these populations. The M244R variant is a non-conservative amino acid substitution, which is likely to impact secondary protein structure as these residues differ in polarity, charge, size and/or other properties. This substitution occurs at a position that is conserved across species and in silico analysis predicts this variant is probably damaging to the protein structure/function. However, based on the currently available information, it is unclear whether this variant is a pathogenic variant or a rare benign variant.